The following is an entry in ClinVar:

NM_002637.4(PHKA1):c.2920C>T (p.Arg974Cys)

Gene: PHKA1 (phosphorylase kinase regulatory subunit alpha 1; minus strand). Cytogenetic location: Xq13.1.
Variant type: single nucleotide variant.
Coding change: c.2920C>T on transcript NM_002637.4 (MANE Select); coding-DNA position 2920, C replaced by T.
Protein change: p.Arg974Cys; replaces arginine 974 with cysteine.
Molecular consequence: missense variant.
Genome position (GRCh38, 1-based): chrX:72,602,271, G>A on the plus strand (C>T on the coding strand, the complement: PHKA1 is on the minus strand). VCF-style: chrX-72602271-G-A. GRCh37 (hg19) VCF-style: chrX-71822121-G-A.
Other names: c.2920C>T, p.Arg974Cys (NM_001122670.2); c.2743C>T, p.Arg915Cys (NM_001172436.2); c.2920C>T (NM_002637.3); short protein forms R915C, R974C.
Identifiers: ClinVar variation 2141024 (VCV002141024.5), dbSNP rs2052667631, ClinGen allele CA413587941.

ClinVar aggregate classification (germline): Uncertain significance. Review status: criteria provided, multiple submitters, no conflicts (2 of 4 stars). 2 submissions from 2 submitters: Uncertain significance (2). Last evaluated 2025-11-12.

Conditions:
Glycogen storage disease IXd (GSD9D). Also called: Muscle Phosphorylase Kinase Deficiency; GSD IXd. Identifiers: Orphanet 715, MedGen C1845151, MONDO:0010362, OMIM 300559.
Inborn genetic diseases. Identifiers: MedGen C0950123, MeSH D030342.

Allele frequency attached by ClinVar (database versions not stated): gnomAD exomes below 0.00001; gnomAD 0.00001.
gnomAD v4.1: 5 of 1,093,579 alleles (0.00046%); highest among the groups gnomAD compares: Admixed American, 0.0066%; no homozygotes.

Submissions (2):

Ambry Genetics
Classification: Uncertain significance for Inborn genetic diseases. Last evaluated: 2025-11-12. Review status: criteria provided, single submitter. Criteria: Ambry Variant Classification Scheme 2023. Collection method: clinical testing. Allele origin: germline.

Labcorp Genetics (formerly Invitae), Labcorp
Classification: Uncertain significance for Glycogen storage disease IXd. Last evaluated: 2021-12-31. Review status: criteria provided, single submitter. Criteria: Invitae Variant Classification Sherloc (09022015). Collection method: clinical testing. Allele origin: germline.
Comment: This sequence change replaces arginine, which is basic and polar, with cysteine, which is neutral and slightly polar, at codon 974 of the PHKA1 protein (p.Arg974Cys). This variant is not present in population databases (gnomAD no frequency). This variant has not been reported in the literature in individuals affected with PHKA1-related conditions. Algorithms developed to predict the effect of missense changes on protein structure and function output the following: SIFT: "Deleterious"; PolyPhen-2: "Benign"; Align-GVGD: "Class C0". The cysteine amino acid residue is found in multiple mammalian species, which suggests that this missense change does not adversely affect protein function. In summary, the available evidence is currently insufficient to determine the role of this variant in disease. Therefore, it has been classified as a Variant of Uncertain Significance.